The following is an entry in ClinVar:

NM_003849.4(SUCLG1):c.395C>T (p.Ala132Val)

Gene: SUCLG1 (succinate-CoA ligase GDP/ADP-forming subunit alpha; minus strand). Cytogenetic location: 2p11.2.
Variant type: single nucleotide variant.
Coding change: c.395C>T on transcript NM_003849.4 (MANE Select); coding-DNA position 395, C replaced by T.
Protein change: p.Ala132Val; replaces alanine 132 with valine.
Molecular consequence: missense variant.
Genome position (GRCh38, 1-based): chr2:84,441,383, G>A on the plus strand (C>T on the coding strand, the complement: SUCLG1 is on the minus strand). VCF-style: chr2-84441383-G-A. GRCh37 (hg19) VCF-style: chr2-84668507-G-A.
Other names: short protein forms A132V.
Identifiers: ClinVar variation 2196358 (VCV002196358.4), dbSNP rs376171433, ClinGen allele CA347515837.

ClinVar aggregate classification (germline): Uncertain significance (1 of 4 stars; one submission).

Conditions:
Mitochondrial DNA depletion syndrome 9 (MTDPS9). Also called: SUCLG1-Related Mitochondrial DNA Depletion Syndrome, Encephalomyopathic Form with Methylmalonic Aciduria. Identifiers: Orphanet 17, MedGen C3151476, MONDO:0009504, OMIM 245400.

Submission:

Labcorp Genetics (formerly Invitae), Labcorp
Classification: Uncertain significance for Mitochondrial DNA depletion syndrome 9. Last evaluated: 2022-07-20. Review status: criteria provided, single submitter. Criteria: Invitae Variant Classification Sherloc (09022015). Collection method: clinical testing. Allele origin: germline.
Comment: In summary, the available evidence is currently insufficient to determine the role of this variant in disease. Therefore, it has been classified as a Variant of Uncertain Significance. Algorithms developed to predict the effect of missense changes on protein structure and function are either unavailable or do not agree on the potential impact of this missense change (SIFT: "Deleterious"; PolyPhen-2: "Probably Damaging"; Align-GVGD: "Class C0"). This variant has not been reported in the literature in individuals affected with SUCLG1-related conditions. This variant is not present in population databases (gnomAD no frequency). This sequence change replaces alanine, which is neutral and non-polar, with valine, which is neutral and non-polar, at codon 132 of the SUCLG1 protein (p.Ala132Val).